The following is an entry in ClinVar:

ClinVar aggregate classification (germline): Uncertain significance. Review status: criteria provided, multiple submitters, no conflicts (2 of 4 stars). 6 submissions from 6 submitters: Uncertain significance (4). 2 of the submissions do not count toward it. Last evaluated 2026-01-26.

Conditions:
Inborn genetic diseases. Identifiers: MedGen C0950123, MeSH D030342.
Dyskeratosis congenita. Identifiers: Orphanet 1775, MedGen C0265965, MONDO:0015780.
RTEL1-related disorder. Also called: RTEL1-related disorders; RTEL1-related condition.
Dyskeratosis congenita, autosomal recessive 5 (DKCB5). Identifiers: MedGen C3554656, MONDO:0014076, OMIM 615190.
Pulmonary fibrosis and/or bone marrow failure, Telomere-related, 3. Also called: PULMONARY FIBROSIS AND/OR BONE MARROW FAILURE SYNDROME, TELOMERE-RELATED, 3. Identifiers: Orphanet 2032, MedGen C4225346, MONDO:0014613, OMIM 616373.

Allele frequency attached by ClinVar (database versions not stated): ESP Exome Variant Server 0.00008; ExAC 0.00002; gnomAD 0.00004; TOPMed 0.00004; gnomAD exomes 0.00003.
gnomAD v4.1: 46 of 1,610,404 alleles (0.0029%); highest among the groups gnomAD compares: Middle Eastern, 0.017%; no homozygotes.

Submissions (6):

Dasa
Classification: Uncertain significance. Last evaluated: 2026-01-26. Review status: criteria provided, single submitter. Criteria: DASA Assertion Criteria. Collection method: clinical testing. Allele origin: germline.
Comment: NM_001283009.2(RTEL1):c.1729G>A (p.Asp577Asn) is a missense variant that results in the substitution of aspartic acid with asparagine. This variant is rare in population databases. The currently available literature and clinical evidence are not sufficient to establish a definitive association between this variant and the reported condition. Therefore, this variant is classified as a variant of uncertain significance.

Labcorp Genetics (formerly Invitae), Labcorp
Classification: Uncertain significance for Dyskeratosis congenita, autosomal recessive 5; Pulmonary fibrosis and/or bone marrow failure, Telomere-related, 3. Last evaluated: 2026-01-16. Review status: criteria provided, single submitter. Criteria: Invitae Variant Classification Sherloc (09022015). Collection method: clinical testing. Allele origin: germline.
Comment: This sequence change replaces aspartic acid, which is acidic and polar, with asparagine, which is neutral and polar, at codon 577 of the RTEL1 protein (p.Asp577Asn). This variant is present in population databases (rs371161995, gnomAD 0.006%). This variant has not been reported in the literature in individuals affected with RTEL1-related conditions. ClinVar contains an entry for this variant (Variation ID: 972556). An algorithm developed to predict the effect of missense changes on protein structure and function (PolyPhen-2) suggests that this variant is likely to be tolerated. In summary, the available evidence is currently insufficient to determine the role of this variant in disease. Therefore, it has been classified as a Variant of Uncertain Significance.

Ambry Genetics
Classification: Uncertain significance for Inborn genetic diseases. Last evaluated: 2023-02-27. Review status: criteria provided, single submitter. Criteria: Ambry Variant Classification Scheme 2023. Collection method: clinical testing. Allele origin: germline.

GeneDx
Classification: Uncertain significance. Last evaluated: 2019-05-23. Review status: criteria provided, single submitter. Criteria: GeneDx Variant Classification Process June 2021. Collection method: clinical testing. Allele origin: germline. Affected: yes.
Comment: In silico analysis, which includes protein predictors and evolutionary conservation, supports that this variant does not alter protein structure/function; Has not been previously published as pathogenic or benign to our knowledge

PreventionGenetics, part of Exact Sciences
Classification: Uncertain significance for RTEL1-related condition. Last evaluated: 2023-12-01. Review status: no assertion criteria provided. Collection method: clinical testing. Allele origin: germline. Not counted in ClinVar's aggregate classification.
Comment: The RTEL1 c.1801G>A variant is predicted to result in the amino acid substitution p.Asp601Asn. To our knowledge, this variant has not been reported in the literature. This variant is reported in 0.0055% of alleles in individuals of East Asian descent in gnomAD. At this time, the clinical significance of this variant is uncertain due to the absence of conclusive functional and genetic evidence.

Natera, Inc.
Classification: Uncertain significance for Dyskeratosis congenita. Last evaluated: 2020-01-15. Review status: no assertion criteria provided. Collection method: clinical testing. Allele origin: germline. Not counted in ClinVar's aggregate classification.

NM_001283009.2(RTEL1):c.1729G>A (p.Asp577Asn)

Genes: RTEL1 (regulator of telomere elongation helicase 1; plus strand), RTEL1-TNFRSF6B (RTEL1-TNFRSF6B readthrough (NMD candidate); plus strand). Cytogenetic location: 20q13.33.
Variant type: single nucleotide variant.
Coding change: c.1729G>A on transcript NM_001283009.2 (MANE Select); coding-DNA position 1729, G replaced by A.
Protein change: p.Asp577Asn; replaces aspartic acid 577 with asparagine.
Molecular consequence: missense variant. On other transcripts: non-coding transcript variant (1).
Genome position (GRCh38, 1-based): chr20:63,688,534, G>A. VCF-style: chr20-63688534-G-A. GRCh37 (hg19) VCF-style: chr20-62319887-G-A.
Other names: c.1060G>A, p.Asp354Asn (NM_001283010.1); c.1729G>A, p.Asp577Asn (NM_016434.4); c.1801G>A, p.Asp601Asn (NM_032957.5); short protein forms D354N, D577N, D601N.
Identifiers: ClinVar variation 972556 (VCV000972556.15), dbSNP rs371161995, ClinGen allele CA9964962.
Genomic context (GRCh38, chr20:63,688,534, plus strand): 5'-ATCGGATCGGCGGCGTGACCAGGGCTGCCGTGTCCCTGCCTCTTCCTCCCACAGGCCCGC[G>A]ACTTGGCCAGGAAGATGGAGGCGCTGAAGCCGCTGTTTGTGGAGCCCAGGAGCAAAGGCA-3'
Protein context (NP_001269938.1, residues 567-587): EKSLEFWRAR[Asp577Asn]LARKMEALKP